The following is an entry in ClinVar:

ClinVar aggregate classification (germline): Uncertain significance. Review status: criteria provided, multiple submitters, no conflicts (2 of 4 stars). 6 submissions from 6 submitters: Uncertain significance (6). Last evaluated 2026-06-22.

Conditions:
ABCC2-related disorder. Also called: ABCC2-related condition.
Dubin-Johnson syndrome (DJS). Also called: HYPERBILIRUBINEMIA, DUBIN-JOHNSON TYPE; Hyperbilirubinemia type 2; Jaundice, Chronic Idiopathic. Identifiers: Orphanet 234, MedGen C0022350, MONDO:0009380, OMIM 237500.

Allele frequency attached by ClinVar (database versions not stated): ESP Exome Variant Server 0.00054; TOPMed 0.00070.
gnomAD v4.1: 1,177 of 1,614,120 alleles (0.073%); highest among the groups gnomAD compares: Middle Eastern, 0.25%; 2 homozygotes.

Submissions (6):

PreventionGenetics, part of Exact Sciences
Classification: Uncertain significance for ABCC2-related condition. Last evaluated: 2026-06-22. Review status: criteria provided, single submitter. Criteria: ACMG Guidelines, 2015. Collection method: clinical testing. Allele origin: germline.
Comment: The ABCC2 c.3298C>T variant is predicted to result in the amino acid substitution p.Arg1100Cys. This variant has been reported in an individual with intrahepatic cholestasis of pregnancy (Supplementary Table 3 in Liu et al. 2022. PubMed ID: 36046230). However, this variant is reported in 0.082% of alleles in individuals of European (Non-Finnish) descent in gnomAD, which may be too frequent to be a primary cause of disease. Although we suspect that this variant may be benign, at this time, the clinical significance of this variant is uncertain due to the absence of conclusive functional and genetic evidence.

Blueprint Genetics
Classification: Uncertain significance. Last evaluated: 2024-10-02. Review status: criteria provided, single submitter. Criteria: ACMG Guidelines, 2015. Collection method: clinical testing. Allele origin: germline.

Mayo Clinic Laboratories, Mayo Clinic
Classification: Uncertain significance. Last evaluated: 2022-02-02. Review status: criteria provided, single submitter. Criteria: ACMG Guidelines, 2015. Collection method: clinical testing. Allele origin: germline. Observed: 1 variant allele.
Comment: PP3

Eurofins Ntd Llc (ga)
Classification: Uncertain significance. Last evaluated: 2017-05-31. Review status: criteria provided, single submitter. Criteria: EGL Classification Definitions 2015. Collection method: clinical testing. Allele origin: germline. Observed: 3 variant alleles, 3 heterozygotes.

Illumina Laboratory Services, Illumina
Classification: Uncertain significance for Dubin-Johnson syndrome. Last evaluated: 2017-04-27. Review status: criteria provided, single submitter. Criteria: ICSL Variant Classification Criteria 13 December 2019. Collection method: clinical testing. Allele origin: germline.

Breakthrough Genomics
Classification: Uncertain significance. Review status: criteria provided, single submitter. Criteria: ACMG Guidelines, 2015. Collection method: not provided. Allele origin: germline. Inheritance: Autosomal recessive inheritance. Affected: yes.

NM_000392.5(ABCC2):c.3298C>T (p.Arg1100Cys)

Genes: ABCC2 (ATP binding cassette subfamily C member 2; plus strand), LOC126861013 (CDK7 strongly-dependent group 2 enhancer GRCh37_chr10:101593724-101594923; plus strand). Cytogenetic location: 10q24.2.
Variant type: single nucleotide variant.
Coding change: c.3298C>T on transcript NM_000392.5 (MANE Select); coding-DNA position 3298, C replaced by T.
Protein change: p.Arg1100Cys; replaces arginine 1100 with cysteine.
Molecular consequence: missense variant.
Genome position (GRCh38, 1-based): chr10:99,834,419, C>T. VCF-style: chr10-99834419-C-T. GRCh37 (hg19) VCF-style: chr10-101594176-C-T.
Other names: p.Arg1100Cys; c.3298C>T, p.Arg1100Cys (LRG_1208t1); c.3298C>T (NM_000392.4); short protein forms R1100C.
Identifiers: ClinVar variation 497084 (VCV000497084.13), dbSNP rs142715085, ClinGen allele CA5643756.